The following is an entry in ClinVar:

ClinVar aggregate classification (germline): Uncertain significance (1 of 4 stars; one submission).

Conditions:
Cardiovascular phenotype. Identifiers: MedGen CN230736.

Submission:

Ambry Genetics
Classification: Uncertain significance for Cardiovascular phenotype. Last evaluated: 2024-01-03. Review status: criteria provided, single submitter. Criteria: Ambry Variant Classification Scheme 2023. Collection method: clinical testing. Allele origin: germline.
Comment: The p.P353S variant (also known as c.1057C>T), located in coding exon 7 of the LDB3 gene, results from a C to T substitution at nucleotide position 1057. The proline at codon 353 is replaced by serine, an amino acid with similar properties. This amino acid position is conserved. In addition, this alteration is predicted to be tolerated by in silico analysis. Since supporting evidence is limited at this time, the clinical significance of this alteration remains unclear.

NM_007078.3(LDB3):c.1057C>T (p.Pro353Ser)

Gene: LDB3 (LIM domain binding 3; plus strand). Cytogenetic location: 10q23.2.
Variant type: single nucleotide variant.
Coding change: c.1057C>T on transcript NM_007078.3 (MANE Select); coding-DNA position 1057, C replaced by T.
Protein change: p.Pro353Ser; replaces proline 353 with serine.
Molecular consequence: missense variant. On other transcripts: intron variant (4).
Genome position (GRCh38, 1-based): chr10:86,706,691, C>T. VCF-style: chr10-86706691-C-T. GRCh37 (hg19) VCF-style: chr10-88466448-C-T.
Other names: c.916C>T, p.Pro306Ser (NM_001368066.1); c.897-3214C>T (NM_001368064.1, NM_001368065.1); c.1101-3214C>T (NM_001171610.2); c.756-3214C>T (NM_001080114.2); short protein forms P306S, P353S.
Identifiers: ClinVar variation 3225976 (VCV003225976.1), dbSNP rs2492761987, ClinGen allele CA377447274.